The following is an entry in ClinVar:

NM_006852.6(TLK2):c.1651C>T (p.Gln551Ter)

Gene: TLK2 (tousled like kinase 2; plus strand). Cytogenetic location: 17q23.2.
Variant type: single nucleotide variant.
Coding change: c.1651C>T on transcript NM_006852.6 (MANE Select); coding-DNA position 1651, C replaced by T.
Protein change: p.Gln551Ter; replaces glutamine 551 with a stop codon.
Molecular consequence: nonsense.
Genome position (GRCh38, 1-based): chr17:62,600,751, C>T. VCF-style: chr17-62600751-C-T. GRCh37 (hg19) VCF-style: chr17-60678112-C-T.
Other names: c.1717C>T, p.Gln573Ter (NM_001284333.3); c.1555C>T, p.Gln519Ter (NM_001284363.1, NM_001375272.1); c.1204C>T, p.Gln402Ter (NM_001330418.3, NM_001375273.1); c.1693C>T, p.Gln565Ter (NM_001375269.1); c.1651C>T, p.Gln551Ter (NM_001375270.1, NM_001375271.1); short protein forms Q402*, Q519*, Q551*, Q573*, Q565*.
Identifiers: ClinVar variation 617937 (VCV000617937.1), dbSNP rs1568003569, ClinGen allele CA400511070.

ClinVar aggregate classification (germline): Pathogenic (1 of 4 stars; one submission).

Conditions:
Intellectual developmental disorder, autosomal dominant 57. Also called: MENTAL RETARDATION, AUTOSOMAL DOMINANT 57; Intellectual disability, autosomal dominant 57. Identifiers: MedGen C4748003, MONDO:0054837, OMIM 618050.

Submission:

SIB Swiss Institute of Bioinformatics
Classification: Pathogenic for Intellectual developmental disorder, autosomal dominant 57. Last evaluated: 2018-10-15. Review status: criteria provided, single submitter. Criteria: ACMG Guidelines, 2015. Collection method: curation. Allele origin: unknown.
Comment: This variant is interpreted as Pathogenic, for Mental retardation, autosomal dominant 57. The following ACMG Tag(s) were applied: PM2 => Absent from controls (or at extremely low frequency if recessive) in Exome Sequencing Project, 1000 Genomes Project, or Exome Aggregation Consortium. PM6 => Assumed de novo, but without confirmation of paternity and maternity (PubMed 29861108). PVS1 => Predicted nullvariant in a gene where LOF is a known mechanism of disease. Truncating variant that deletes the active site.

Literature cited by the submitters: PubMed 29861108.